The following is an entry in ClinVar:

NM_001754.5(RUNX1):c.1279C>A (p.Arg427Ser)

Gene: RUNX1 (RUNX family transcription factor 1; minus strand). Cytogenetic location: 21q22.12.
Variant type: single nucleotide variant.
Coding change: c.1279C>A on transcript NM_001754.5 (MANE Select); coding-DNA position 1279, C replaced by A.
Protein change: p.Arg427Ser; replaces arginine 427 with serine.
Molecular consequence: missense variant.
Genome position (GRCh38, 1-based): chr21:34,792,299, G>T on the plus strand (C>A on the coding strand, the complement: RUNX1 is on the minus strand). VCF-style: chr21-34792299-G-T. GRCh37 (hg19) VCF-style: chr21-36164596-G-T.
Other names: c.1198C>A, p.Arg400Ser (NM_001001890.3); short protein forms R400S, R427S.
Identifiers: ClinVar variation 4863642 (VCV004863642.1).
Genomic context (GRCh38, chr21:34,792,299, plus strand): 5'-GGAGGCTGGGGTTGAGCAGCGCGGAGCCGGTGGAGGCGTTGGTGCAGGGCGGCAGGATGC[G>T]CGGCGGCGAGCGCTCGCCGCCCACCATGGAGAACTGGTAGGAGCCGGCCGAGGCGCCGTA-3'
Protein context (NP_001745.2, residues 417-437): SMVGGERSPP[Arg427Ser]ILPPCTNAST

ClinVar aggregate classification (germline): Uncertain significance (1 of 4 stars; one submission).

Conditions:
Inborn genetic diseases. Identifiers: MedGen C0950123, MeSH D030342.

Submission:

Ambry Genetics
Classification: Uncertain significance for Inborn genetic diseases. Last evaluated: 2026-04-04. Review status: criteria provided, single submitter. Criteria: Ambry Variant Classification Scheme 2023. Collection method: clinical testing. Allele origin: germline.
Comment: The p.R427S variant (also known as c.1279C>A), located in coding exon 8 of the RUNX1 gene, results from a C to A substitution at nucleotide position 1279. The arginine at codon 427 is replaced by serine, an amino acid with dissimilar properties. This amino acid position is conserved. In addition, the in silico prediction for this alteration is inconclusive. Based on the available evidence, the clinical significance of this variant remains unclear.